The following is an entry in ClinVar:

ClinVar aggregate classification (germline): Uncertain significance. Review status: criteria provided, multiple submitters, no conflicts (2 of 4 stars). 2 submissions from 2 submitters: Uncertain significance (2). Last evaluated 2023-11-26.

Conditions:
Hereditary cancer-predisposing syndrome. Also called: Neoplastic Syndromes, Hereditary; Tumor predisposition; Hereditary neoplastic syndrome; Hereditary Cancer Syndrome. Identifiers: Orphanet 140162, MedGen C0027672, MeSH D009386, MONDO:0015356.
Familial cancer of breast. Also called: BREAST CANCER, FAMILIAL; Hereditary breast cancer; hereditary breast carcinoma. Identifiers: Orphanet 227535, MedGen C0346153, MONDO:0016419, OMIM 114480. Disease mechanism: loss of function.

Submissions (2):

Baylor Genetics
Classification: Uncertain significance for Familial cancer of breast. Last evaluated: 2023-11-26. Review status: criteria provided, single submitter. Criteria: ACMG Guidelines, 2015. Collection method: clinical testing. Allele origin: unknown.

Ambry Genetics
Classification: Uncertain significance for Hereditary cancer-predisposing syndrome. Last evaluated: 2019-01-11. Review status: criteria provided, single submitter. Criteria: Ambry Variant Classification Scheme 2023. Collection method: clinical testing. Allele origin: germline.
Comment: The p.G176W variant (also known as c.526G>T), located in coding exon 3 of the CHEK2 gene, results from a G to T substitution at nucleotide position 526. The glycine at codon 176 is replaced by tryptophan, an amino acid with highly dissimilar properties. This amino acid position is highly conserved in available vertebrate species. In addition, this alteration is predicted to be deleterious by in silico analysis. Since supporting evidence is limited at this time, the clinical significance of this alteration remains unclear.

NM_007194.4(CHEK2):c.526G>T (p.Gly176Trp)

Gene: CHEK2 (checkpoint kinase 2; minus strand). Cytogenetic location: 22q12.1.
Variant type: single nucleotide variant.
Coding change: c.526G>T on transcript NM_007194.4 (MANE Select); coding-DNA position 526, G replaced by T.
Protein change: p.Gly176Trp; replaces glycine 176 with tryptophan.
Molecular consequence: missense variant. On other transcripts: 5 prime UTR variant (2), intron variant (1).
Genome position (GRCh38, 1-based): chr22:28,725,043, C>A on the plus strand (G>T on the coding strand, the complement: CHEK2 is on the minus strand). VCF-style: chr22-28725043-C-A. GRCh37 (hg19) VCF-style: chr22-29121031-C-A.
Other names: c.655G>T, p.Gly219Trp (NM_001005735.3, NM_001438294.1); c.-252G>T (NM_001257387.3); c.-138G>T (NM_001437942.1); c.619G>T, p.Gly207Trp (NM_001438293.1, NM_001438295.1); c.526G>T, p.Gly176Trp (NM_145862.3); c.445-120G>T (NM_001349956.3); short protein forms G219W, G176W, G207W.
Identifiers: ClinVar variation 825604 (VCV000825604.5), dbSNP rs876661085, ClinGen allele CA411107314.